The following is an entry in ClinVar:

ClinVar aggregate classification (germline): Uncertain significance (1 of 4 stars; one submission).

Submission:

Ambry Genetics
Classification: Uncertain significance. Last evaluated: 2024-01-17. Review status: criteria provided, single submitter. Criteria: Ambry Variant Classification Scheme 2023. Collection method: clinical testing. Allele origin: germline.
Comment: The c.52_53delCTinsAC variant, located in coding exon 2 of the RECQL gene, results from an in-frame deletion of CT and insertion of AC at nucleotide positions 52 to 53. This results in the substitution of the leucine residue for a threonine residue at codon 18, an amino acid with similar properties. This amino acid position is highly conserved in available vertebrate species. In addition, the in silico prediction for this alteration is inconclusive (Choi Y et al. PLoS ONE. 2012; 7(10):e46688). Based on the available evidence, the clinical significance of this alteration remains unclear.

NM_002907.4(RECQL):c.52_53delinsAC (p.Leu18Thr)

Gene: RECQL (RecQ like helicase; minus strand). Cytogenetic location: 12p12.1.
Variant type: Indel.
Coding change: c.52_53delinsAC on transcript NM_002907.4 (MANE Select); coding-DNA positions 52 to 53, CT replaced by AC.
Protein change: p.Leu18Thr; replaces leucine 18 with threonine.
Molecular consequence: missense variant.
Genome position (GRCh38, 1-based): chr12:21,491,680-21,491,681, AG replaced by GT on the plus strand (CT replaced by AC on the coding strand, the reverse complement: RECQL is on the minus strand). VCF-style: chr12-21491680-AG-GT. GRCh37 (hg19) VCF-style: chr12-21644614-AG-GT.
Other names: c.52_53delinsAC, p.Leu18Thr (NM_032941.3); short protein forms L18T.
Identifiers: ClinVar variation 3222976 (VCV003222976.1), dbSNP rs2540405774, ClinGen allele CA2825002074.
Genomic context (GRCh38, chr12:21,491,680, plus strand): 5'-TTCTGAATAAGCTCTTGTTGCCTTTCCGTAAGTTCTTGAATTTGAATTTCTACTGCATGT[AG>GT]CTCACTGGTTATAGAATCCAGTTCCTCAGTTAGAGCTATGGGAGGCAGCGCGGATACAAT-3'
Protein context (NP_002898.2, residues 8-28): TEELDSITSE[Leu18Thr]HAVEIQIQEL